The following is an entry in ClinVar:

ClinVar aggregate classification (germline): Pathogenic (1 of 4 stars; one submission).

Submission:

ISCA site 4
Classification: Pathogenic. Last evaluated: 2011-08-12. Review status: criteria provided, single submitter. Criteria: Kaminsky et al. (Genet Med. 2011). Collection method: clinical testing. Allele origin: unknown. Affected: yes. Observed: 1 variant allele.
Comment: Copy number variation identified through the course of routine clinical cytogenomic testing in postnatal populations. Clinical assertions have been curated as described in Kaminsky et al. 2011.

GRCh38/hg38 2q37.1-37.3(chr2:234345842-242126245)x1

Genes: ACKR3 (atypical chemokine receptor 3; plus strand), AGAP1 (ArfGAP with GTPase domain, ankyrin repeat and PH domain 1; plus strand), AGAP1-IT1 (AGAP1 intronic transcript 1; plus strand), CAPN10-DT (CAPN10 divergent transcript; minus strand), COL6A3 (collagen type VI alpha 3 chain; minus strand) and 331 more. Cytogenetic location: 2q37.1-37.3.
Variant type: copy number loss.
Change: copy number 1 (one copy instead of two) of chr2:234,345,842-242,126,245 (7.78 Mb, GRCh38 coordinates, 1-based), cytogenetic band 2q37.1-37.3.
Identifiers: ClinVar variation 57457 (VCV000057457.1).